The following is an entry in ClinVar:

ClinVar aggregate classification (germline): Uncertain significance (1 of 4 stars; one submission).

Submission:

Labcorp Genetics (formerly Invitae), Labcorp
Classification: Uncertain significance. Last evaluated: 2022-08-22. Review status: criteria provided, single submitter. Criteria: Invitae Variant Classification Sherloc (09022015). Collection method: clinical testing. Allele origin: germline.
Comment: In summary, the available evidence is currently insufficient to determine the role of this variant in disease. Therefore, it has been classified as a Variant of Uncertain Significance. Algorithms developed to predict the effect of missense changes on protein structure and function are either unavailable or do not agree on the potential impact of this missense change (SIFT: "Not Available"; PolyPhen-2: "Probably Damaging"; Align-GVGD: "Not Available"). This variant has not been reported in the literature in individuals affected with ADAMTS18-related conditions. This variant is not present in population databases (gnomAD no frequency). This sequence change replaces arginine, which is basic and polar, with glycine, which is neutral and non-polar, at codon 85 of the ADAMTS18 protein (p.Arg85Gly).

NM_199355.4(ADAMTS18):c.253A>G (p.Arg85Gly)

Gene: ADAMTS18 (ADAM metallopeptidase with thrombospondin type 1 motif 18; minus strand). Cytogenetic location: 16q23.1.
Variant type: single nucleotide variant.
Coding change: c.253A>G on transcript NM_199355.4 (MANE Select); coding-DNA position 253, A replaced by G.
Protein change: p.Arg85Gly; replaces arginine 85 with glycine.
Molecular consequence: missense variant. On other transcripts: 5 prime UTR variant (1).
Genome position (GRCh38, 1-based): chr16:77,431,537, T>C on the plus strand (A>G on the coding strand, the complement: ADAMTS18 is on the minus strand). VCF-style: chr16-77431537-T-C. GRCh37 (hg19) VCF-style: chr16-77465434-T-C.
Other names: c.-268A>G (NM_001326358.2); short protein forms R85G.
Identifiers: ClinVar variation 2102885 (VCV002102885.4), dbSNP rs2543879565, ClinGen allele CA396851488.